The following is an entry in ClinVar:

ClinVar aggregate classification (germline): Uncertain significance. Review status: criteria provided, multiple submitters, no conflicts (2 of 4 stars). 2 submissions from 2 submitters: Uncertain significance (2). Last evaluated 2024-12-06.

Conditions:
Inborn genetic diseases. Identifiers: MedGen C0950123, MeSH D030342.

Allele frequency attached by ClinVar (database versions not stated): gnomAD exomes below 0.00001; TOPMed 0.00001.
gnomAD v4.1: 7 of 1,441,112 alleles (0.00049%); highest among the groups gnomAD compares: Middle Eastern, 0.035%; no homozygotes.

Submissions (2):

GeneDx
Classification: Uncertain significance. Last evaluated: 2024-12-06. Review status: criteria provided, single submitter. Criteria: GeneDx Variant Classification Process June 2021. Collection method: clinical testing. Allele origin: germline. Affected: yes.
Comment: Not observed at significant frequency in large population cohorts (gnomAD); In silico analysis indicates that this missense variant does not alter protein structure/function; Has not been previously published as pathogenic or benign to our knowledge

Ambry Genetics
Classification: Uncertain significance for Inborn genetic diseases. Last evaluated: 2023-12-28. Review status: criteria provided, single submitter. Criteria: Ambry Variant Classification Scheme 2023. Collection method: clinical testing. Allele origin: germline.

NM_024989.4(PGAP1):c.1042A>G (p.Met348Val)

Gene: PGAP1 (post-GPI attachment to proteins inositol deacylase 1; minus strand). Cytogenetic location: 2q33.1.
Variant type: single nucleotide variant.
Coding change: c.1042A>G on transcript NM_024989.4 (MANE Select); coding-DNA position 1042, A replaced by G.
Protein change: p.Met348Val; replaces methionine 348 with valine.
Molecular consequence: missense variant. On other transcripts: intron variant (1).
Genome position (GRCh38, 1-based): chr2:196,892,393, T>C on the plus strand (A>G on the coding strand, the complement: PGAP1 is on the minus strand). VCF-style: chr2-196892393-T-C. GRCh37 (hg19) VCF-style: chr2-197757117-T-C.
Other names: c.520A>G, p.Met174Val (NM_001321099.2); c.-79+747A>G (NM_001321100.2); short protein forms M174V, M348V.
Identifiers: ClinVar variation 1723783 (VCV001723783.5), dbSNP rs909986806, ClinGen allele CA62793709.
Genomic context (GRCh38, chr2:196,892,393, plus strand): 5'-GTGGAATACTTACGTTGTAAGCTACATAGGTCCATTTGGACACTTTTACTAGAACCCACA[T>C]AGATGTCCCTGAAGGTAAAGGAAATTAATTTATTTGCCTTGTTTTGTTTTTATACTACAT-3'
Protein context (NP_079265.2, residues 338-358): AIISDLTGTS[Met348Val]WVLVKVSKWT